The following is an entry in ClinVar:

NM_020433.5(JPH2):c.466C>T (p.Arg156Cys)

Gene: JPH2 (junctophilin 2; minus strand). Cytogenetic location: 20q13.12.
Variant type: single nucleotide variant.
Coding change: c.466C>T on transcript NM_020433.5 (MANE Select); coding-DNA position 466, C replaced by T.
Protein change: p.Arg156Cys; replaces arginine 156 with cysteine.
Molecular consequence: missense variant.
Genome position (GRCh38, 1-based): chr20:44,160,321, G>A on the plus strand (C>T on the coding strand, the complement: JPH2 is on the minus strand). VCF-style: chr20-44160321-G-A. GRCh37 (hg19) VCF-style: chr20-42788961-G-A.
Other names: short protein forms R156C.
Identifiers: ClinVar variation 1061649 (VCV001061649.9), dbSNP rs543732492, ClinGen allele CA314629803.

ClinVar aggregate classification (germline): Uncertain significance (1 of 4 stars; one submission).

Conditions:
Hypertrophic cardiomyopathy. Also called: HYPERTROPHIC MYOCARDIOPATHY. Identifiers: Orphanet 217569, MedGen C0007194, MeSH D002312, MONDO:0005045, HP:0001639.

Allele frequency attached by ClinVar (database versions not stated): TOPMed below 0.00001; gnomAD 0.00001; 1000 Genomes Project 0.00020; 1000 Genomes Project 30x 0.00031.

Submission:

Labcorp Genetics (formerly Invitae), Labcorp
Classification: Uncertain significance for Hypertrophic cardiomyopathy. Last evaluated: 2024-10-17. Review status: criteria provided, single submitter. Criteria: Invitae Variant Classification Sherloc (09022015). Collection method: clinical testing. Allele origin: germline.
Comment: This sequence change replaces arginine, which is basic and polar, with cysteine, which is neutral and slightly polar, at codon 156 of the JPH2 protein (p.Arg156Cys). This variant is not present in population databases (gnomAD no frequency). This variant has not been reported in the literature in individuals affected with JPH2-related conditions. ClinVar contains an entry for this variant (Variation ID: 1061649). An algorithm developed to predict the effect of missense changes on protein structure and function (PolyPhen-2) suggests that this variant is likely to be disruptive. In summary, the available evidence is currently insufficient to determine the role of this variant in disease. Therefore, it has been classified as a Variant of Uncertain Significance.